The following is an entry in ClinVar:

ClinVar aggregate classification (germline): Likely benign (1 of 4 stars; one submission).

Allele frequency attached by ClinVar (database versions not stated): gnomAD exomes below 0.00001; TOPMed 0.00001.
gnomAD v4.1: 2 of 1,609,552 alleles (0.00012%); highest among the groups gnomAD compares: Non-Finnish European, 0.00017%; no homozygotes.

Submission:

CeGaT Center for Human Genetics Tuebingen
Classification: Likely benign. Last evaluated: 2022-07-01. Review status: criteria provided, single submitter. Criteria: CeGaT Center For Human Genetics Tuebingen Variant Classification Criteria Version 2. Collection method: clinical testing. Allele origin: germline. Affected: yes. Observed: 1 variant allele.
Comment: ABCA2: PM2:Supporting, BP4, BP7

NM_001606.5(ABCA2):c.7116G>A (p.Gln2372=)

Gene: ABCA2 (ATP binding cassette subfamily A member 2; minus strand). Cytogenetic location: 9q34.3.
Variant type: single nucleotide variant.
Coding change: c.7116G>A on transcript NM_001606.5 (MANE Select); coding-DNA position 7116, G replaced by A.
Protein change: p.Gln2372=; no amino-acid change (glutamine 2372 retained).
Molecular consequence: synonymous variant.
Genome position (GRCh38, 1-based): chr9:137,008,575, C>T on the plus strand (G>A on the coding strand, the complement: ABCA2 is on the minus strand). VCF-style: chr9-137008575-C-T. GRCh37 (hg19) VCF-style: chr9-139903027-C-T.
Other names: c.7113G>A, p.Gln2371= (NM_001411042.1); c.7206G>A, p.Gln2402= (NM_212533.3).
Identifiers: ClinVar variation 2659762 (VCV002659762.24), dbSNP rs932366501, ClinGen allele CA201693412.